The following is an entry in ClinVar:

ClinVar aggregate classification (germline): Uncertain significance (1 of 4 stars; one submission).

Allele frequency attached by ClinVar (database versions not stated): gnomAD exomes below 0.00001 and 0.00001.
gnomAD v4.1: 4 of 1,612,874 alleles (0.00025%); highest among the groups gnomAD compares: East Asian, 0.0045%; no homozygotes.

Submission:

Labcorp Genetics (formerly Invitae), Labcorp
Classification: Uncertain significance. Last evaluated: 2021-09-17. Review status: criteria provided, single submitter. Criteria: Invitae Variant Classification Sherloc (09022015). Collection method: clinical testing. Allele origin: germline.
Comment: This sequence change replaces alanine with valine at codon 893 of the COL7A1 protein (p.Ala893Val). The alanine residue is moderately conserved and there is a small physicochemical difference between alanine and valine. This variant is not present in population databases (ExAC no frequency). This variant has not been reported in the literature in individuals with COL7A1-related conditions. Advanced modeling of protein sequence and biophysical properties (such as structural, functional, and spatial information, amino acid conservation, physicochemical variation, residue mobility, and thermodynamic stability) performed at Invitae indicates that this missense variant is not expected to disrupt COL7A1 protein function. In summary, the available evidence is currently insufficient to determine the role of this variant in disease. Therefore, it has been classified as a Variant of Uncertain Significance.

NM_000094.4(COL7A1):c.2678C>T (p.Ala893Val)

Gene: COL7A1 (collagen type VII alpha 1 chain; minus strand). Cytogenetic location: 3p21.31.
Variant type: single nucleotide variant.
Coding change: c.2678C>T on transcript NM_000094.4 (MANE Select); coding-DNA position 2678, C replaced by T.
Protein change: p.Ala893Val; replaces alanine 893 with valine.
Molecular consequence: missense variant.
Genome position (GRCh38, 1-based): chr3:48,588,314, G>A on the plus strand (C>T on the coding strand, the complement: COL7A1 is on the minus strand). VCF-style: chr3-48588314-G-A. GRCh37 (hg19) VCF-style: chr3-48625747-G-A.
Other names: short protein forms A893V.
Identifiers: ClinVar variation 1478190 (VCV001478190.5), dbSNP rs2854389, ClinGen allele CA352717228.